The following is an entry in ClinVar:

NM_015215.4(CAMTA1):c.2840C>T (p.Ser947Leu)

Gene: CAMTA1 (calmodulin binding transcription activator 1; plus strand). Cytogenetic location: 1p36.23.
Variant type: single nucleotide variant.
Coding change: c.2840C>T on transcript NM_015215.4 (MANE Select); coding-DNA position 2840, C replaced by T.
Protein change: p.Ser947Leu; replaces serine 947 with leucine.
Molecular consequence: missense variant. On other transcripts: 5 prime UTR variant (6).
Genome position (GRCh38, 1-based): chr1:7,677,659, C>T. VCF-style: chr1-7677659-C-T. GRCh37 (hg19) VCF-style: chr1-7737719-C-T.
Other names: c.2750C>T, p.Ser917Leu (NM_001349608.2, NM_001349612.2); c.2840C>T, p.Ser947Leu (NM_001349609.2, NM_001349610.2); c.-89C>T (NM_001349614.1, NM_001349617.1, NM_001349620.1 and 3 more transcripts); c.2840C>T (NM_015215.2); short protein forms S917L, S947L.
Identifiers: ClinVar variation 1300365 (VCV001300365.9), dbSNP rs113652510, ClinGen allele CA17209972.

ClinVar aggregate classification (germline): Uncertain significance. Review status: criteria provided, multiple submitters, no conflicts (2 of 4 stars). 4 submissions from 4 submitters: Uncertain significance (4). Last evaluated 2026-04-01.

Conditions:
Inborn genetic diseases. Identifiers: MedGen C0950123, MeSH D030342.
Cerebellar dysfunction with variable cognitive and behavioral abnormalities (CECBA). Also called: Nonprogressive cerebellar atxia with intellectual disability. Identifiers: Orphanet 314647, MedGen C3553661, MONDO:0013886, OMIM 614756.

Allele frequency attached by ClinVar (database versions not stated): gnomAD exomes below 0.00001; TOPMed below 0.00001.
gnomAD v4.1: 4 of 1,614,152 alleles (0.00025%); highest among the groups gnomAD compares: Non-Finnish European, 0.00025%; no homozygotes.

Submissions (4):

CeGaT Center for Human Genetics Tuebingen
Classification: Uncertain significance. Last evaluated: 2026-04-01. Review status: criteria provided, single submitter. Criteria: CeGaT Center For Human Genetics Tuebingen Variant Classification Criteria Version 2. Collection method: clinical testing. Allele origin: germline. Affected: yes. Observed: 1 variant allele.
Comment: CAMTA1: PM2, PP3

Ambry Genetics
Classification: Uncertain significance for Inborn genetic diseases. Last evaluated: 2025-02-12. Review status: criteria provided, single submitter. Criteria: Ambry Variant Classification Scheme 2023. Collection method: clinical testing. Allele origin: germline.

Genomic Medicine Center of Excellence, King Faisal Specialist Hospital and Research Centre
Classification: Uncertain significance for Cerebellar dysfunction with variable cognitive and behavioral abnormalities. Last evaluated: 2024-09-22. Review status: criteria provided, single submitter. Criteria: ACMG Guidelines, 2015. Collection method: clinical testing. Allele origin: germline.

GeneDx
Classification: Uncertain significance. Last evaluated: 2023-07-07. Review status: criteria provided, single submitter. Criteria: GeneDx Variant Classification Process June 2021. Collection method: clinical testing. Allele origin: germline. Affected: yes.
Comment: Not observed in large population cohorts (gnomAD); In silico analysis supports that this missense variant has a deleterious effect on protein structure/function; Has not been previously published as pathogenic or benign to our knowledge